The following is an entry in ClinVar:

ClinVar aggregate classification (germline): Uncertain significance. Review status: criteria provided, multiple submitters, no conflicts (2 of 4 stars). 2 submissions from 2 submitters: Uncertain significance (2). Last evaluated 2021-12-03.

Allele frequency attached by ClinVar (database versions not stated): gnomAD exomes below 0.00001.
gnomAD v4.1: 5 of 1,613,964 alleles (0.00031%); highest among the groups gnomAD compares: Middle Eastern, 0.017%; no homozygotes.

Submissions (2):

Labcorp Genetics (formerly Invitae), Labcorp
Classification: Uncertain significance. Last evaluated: 2021-12-03. Review status: criteria provided, single submitter. Criteria: Invitae Variant Classification Sherloc (09022015). Collection method: clinical testing. Allele origin: germline.
Comment: In summary, the available evidence is currently insufficient to determine the role of this variant in disease. Therefore, it has been classified as a Variant of Uncertain Significance. Algorithms developed to predict the effect of missense changes on protein structure and function are either unavailable or do not agree on the potential impact of this missense change (SIFT: "Deleterious"; PolyPhen-2: "Possibly Damaging"; Align-GVGD: "Class C0"). This variant has not been reported in the literature in individuals affected with DSG1-related conditions. This variant is present in population databases (no rsID available, gnomAD 0.003%). This sequence change replaces proline, which is neutral and non-polar, with histidine, which is basic and polar, at codon 417 of the DSG1 protein (p.Pro417His).

Breakthrough Genomics
Classification: Uncertain significance. Review status: criteria provided, single submitter. Criteria: ACMG Guidelines, 2015. Collection method: not provided. Allele origin: germline. Inheritance: Autosomal recessive inheritance. Affected: yes.

NM_001942.4(DSG1):c.1250C>A (p.Pro417His)

Gene: DSG1 (desmoglein 1; plus strand). Cytogenetic location: 18q12.1.
Variant type: single nucleotide variant.
Coding change: c.1250C>A on transcript NM_001942.4 (MANE Select); coding-DNA position 1250, C replaced by A.
Protein change: p.Pro417His; replaces proline 417 with histidine.
Molecular consequence: missense variant.
Genome position (GRCh38, 1-based): chr18:31,336,598, C>A. VCF-style: chr18-31336598-C-A. GRCh37 (hg19) VCF-style: chr18-28916561-C-A.
Other names: short protein forms P417H.
Identifiers: ClinVar variation 1448362 (VCV001448362.7), dbSNP rs952681245, ClinGen allele CA297694971.